The following is an entry in ClinVar:

NM_033380.3(COL4A5):c.2918G>T (p.Gly973Val)

Gene: COL4A5 (collagen type IV alpha 5 chain; plus strand). Cytogenetic location: Xq22.3.
Variant type: single nucleotide variant.
Coding change: c.2918G>T on transcript NM_033380.3 (MANE Select); coding-DNA position 2918, G replaced by T.
Protein change: p.Gly973Val; replaces glycine 973 with valine.
Molecular consequence: missense variant.
Genome position (GRCh38, 1-based): chrX:108,624,236, G>T. VCF-style: chrX-108624236-G-T. GRCh37 (hg19) VCF-style: chrX-107867466-G-T.
Other names: c.2918G>T, p.Gly973Val (NM_000495.5); short protein forms G973V.
Identifiers: ClinVar variation 4733854 (VCV004733854.2).

ClinVar aggregate classification (germline): Likely pathogenic. Review status: criteria provided, multiple submitters, no conflicts (2 of 4 stars). 2 submissions from 2 submitters: Likely pathogenic (2). Last evaluated 2025-12-22.

Conditions:
COL4A5-related disorders.

Submissions (2):

Labcorp Genetics (formerly Invitae), Labcorp
Classification: Likely pathogenic. Last evaluated: 2025-12-22. Review status: criteria provided, single submitter. Criteria: Invitae Variant Classification Sherloc (09022015). Collection method: clinical testing. Allele origin: germline.
Comment: This sequence change replaces glycine, which is neutral and non-polar, with valine, which is neutral and non-polar, at codon 973 of the COL4A5 protein (p.Gly973Val). This variant is not present in population databases (gnomAD no frequency). This variant has not been reported in the literature in individuals affected with COL4A5-related conditions. Experimental studies and prediction algorithms are not available or were not evaluated, and the functional significance of this variant is currently unknown. Algorithms developed to predict the effect of sequence changes on RNA splicing suggest that this variant may disrupt the consensus splice site. This variant disrupts the triple helix domain of COL4A5. Glycine residues within the Gly-Xaa-Yaa repeats of the triple helix domain are required for the structure and stability of fibrillar collagens (PMID: 7695699, 8218237, 19344236). In COL4A5, missense variants at these glycine residues are significantly enriched in individuals with disease (PMID: 23720012, 27627812) compared to the general population (ExAC). In summary, the currently available evidence indicates that the variant is pathogenic, but additional data are needed to prove that conclusively. Therefore, this variant has been classified as Likely Pathogenic.

Blueprint Genetics
Classification: Likely pathogenic for COL4A5-related disorders. Last evaluated: 2020-03-10. Review status: criteria provided, single submitter. Criteria: ACMG Guidelines, 2015. Collection method: clinical testing. Allele origin: germline. Affected: yes. Observed: 1 variant allele.

Literature cited by the submitters: PubMed 7695699 (cited by Labcorp Genetics (formerly Invitae), Labcorp); PubMed 8218237 (cited by Labcorp Genetics (formerly Invitae), Labcorp); PubMed 19344236 (cited by Labcorp Genetics (formerly Invitae), Labcorp); PubMed 23720012 (cited by Labcorp Genetics (formerly Invitae), Labcorp); PubMed 27627812 (cited by Labcorp Genetics (formerly Invitae), Labcorp).